The following is an entry in ClinVar:

NM_014363.6(SACS):c.2967T>C (p.Thr989=)

Gene: SACS (sacsin molecular chaperone; minus strand). Cytogenetic location: 13q12.12.
Variant type: single nucleotide variant.
Coding change: c.2967T>C on transcript NM_014363.6 (MANE Select); coding-DNA position 2967, T replaced by C.
Protein change: p.Thr989=; no amino-acid change (threonine 989 retained).
Molecular consequence: synonymous variant.
Genome position (GRCh38, 1-based): chr13:23,340,909, A>G on the plus strand (T>C on the coding strand, the complement: SACS is on the minus strand). VCF-style: chr13-23340909-A-G. GRCh37 (hg19) VCF-style: chr13-23915048-A-G.
Other names: p.Thr989=; c.2526T>C, p.Thr842= (NM_001278055.2); c.2994T>C, p.Thr998= (NM_001437336.1).
Identifiers: ClinVar variation 4683781 (VCV004683781.1).

ClinVar aggregate classification (germline): Likely benign (1 of 4 stars; one submission).

Submission:

Mayo Clinic Laboratories, Mayo Clinic
Classification: Likely benign. Last evaluated: 2025-07-08. Review status: criteria provided, single submitter. Criteria: ACMG Guidelines, 2015. Collection method: clinical testing. Allele origin: germline. Observed: 1 variant allele.
Comment: BP4, BP7